The following is an entry in ClinVar:

ClinVar aggregate classification (germline): Pathogenic. Review status: criteria provided, multiple submitters, no conflicts (2 of 4 stars). 9 submissions from 9 submitters: Pathogenic (8). 1 of the submissions does not count toward it. Last evaluated 2025-10-27.

Conditions:
GLB1-related disorder. Also called: GLB1-related disorders. Identifiers: MedGen CN377807.
Infantile GM1 gangliosidosis. Also called: GM1-gangliosidosis, type I; Gangliosidosis, generalized GM1, infantile form; GLB1 deficiency; Gangliosidosis, Generalized GM1, Type 1; GM1 gangliosidosis type 1. Identifiers: Orphanet 354, Orphanet 79255, MedGen C0268271, MONDO:0009260, OMIM 230500.
Mucopolysaccharidosis, MPS-IV-B (MPS4B). Also called: Mucopolysaccharidosis Type IVB (Morquio B Disease); Mucopolysaccharidosis type IVB (Morquio); MPS IVB; MORQUIO SYNDROME B; Mucopolysaccharidosis type 4B; Mucopolysaccharidosis type IV B. Identifiers: Orphanet 309310, Orphanet 582, MedGen C0086652, MONDO:0009660, OMIM 253010.
GM1 gangliosidosis type 3. Also called: GM1-GANGLIOSIDOSIS, TYPE III; GANGLIOSIDOSIS, GENERALIZED GM1, ADULT TYPE; GANGLIOSIDOSIS, GENERALIZED GM1, CHRONIC TYPE; GANGLIOSIDOSIS, GENERALIZED GM1, TYPE III; Gangliosidosis, Generalized GM1, Type 3; Beta-galactosidase deficiency. Identifiers: Orphanet 79257, MedGen C0268273, MONDO:0009262, OMIM 230650.
GM1 gangliosidosis type 2. Also called: GM1-GANGLIOSIDOSIS, TYPE II; Juvenile GM>1< gangliosidosis; GANGLIOSIDOSIS, GENERALIZED GM1, JUVENILE TYPE; GANGLIOSIDOSIS, GENERALIZED GM1, TYPE II; Gangliosidosis, Generalized GM1, Type 2. Identifiers: Orphanet 354, Orphanet 79256, MedGen C0268272, MONDO:0009261, OMIM 230600.
GM1 gangliosidosis. Identifiers: Orphanet 354, MedGen C0085131, MONDO:0018149.

Allele frequency attached by ClinVar (database versions not stated): TOPMed 0.00002; ExAC 0.00003; gnomAD 0.00003; gnomAD exomes 0.00003.

Submissions (9):

Medical Genetic Diagnosis and Therapy Center, Fujian Medical University
Classification: Pathogenic for Mucopolysaccharidosis, MPS-IV-B. Last evaluated: 2025-10-27. Review status: criteria provided, single submitter. Criteria: ACMG Guidelines, 2015. Collection method: clinical testing. Allele origin: germline. Affected: yes.
Comment: P: PM3_VS+PM2+PM5+PP3+PS3_P. This variant has been reported in the following publication(s): [1] Caciotti A, Bardelli T, Cunningham J, et al. Modulating action of the new polymorphism L436F detected in the GLB1 gene of a type-II GM1 gangliosidosis patient[J]. Human genetics, 2003, 113(1): 44-50.

Natera, Inc.
Classification: Pathogenic for Mucopolysaccharidosis, MPS-IV-B. Last evaluated: 2025-03-10. Review status: criteria provided, single submitter. Criteria: Natera Variant Classification Schema (03/2026). Collection method: clinical testing. Allele origin: germline.
Comment: The c.202C>T variant in GLB1 is a missense variant predicted to cause substitution of arginine to tryptophan at amino acid 68. This variant is rare in the general population with a frequency below the threshold expected for the associated phenotype(s). This variant has been observed in one or more individuals affected with the associated recessive disease, as either homozygous or compound heterozygous with a second variant (PMID: 33737400, 31761138). Given the available evidence, this variant is classified as Pathogenic.

Blueprint Genetics
Classification: Pathogenic for GLB1-related disorders. Last evaluated: 2024-08-17. Review status: criteria provided, single submitter. Criteria: ACMG Guidelines, 2015. Collection method: clinical testing. Allele origin: germline. Affected: yes. Observed: 4 variant alleles.

Fulgent Genetics
Classification: Pathogenic for Infantile GM1 gangliosidosis; GM1 gangliosidosis type 2; GM1 gangliosidosis type 3; Mucopolysaccharidosis, MPS-IV-B. Last evaluated: 2024-04-29. Review status: criteria provided, single submitter. Criteria: ACMG Guidelines, 2015. Collection method: clinical testing. Allele origin: germline.

Labcorp Genetics (formerly Invitae), Labcorp
Classification: Pathogenic for Mucopolysaccharidosis, MPS-IV-B; GM1 gangliosidosis. Last evaluated: 2024-04-25. Review status: criteria provided, single submitter. Criteria: Invitae Variant Classification Sherloc (09022015). Collection method: clinical testing. Allele origin: germline.
Comment: This sequence change replaces arginine, which is basic and polar, with tryptophan, which is neutral and slightly polar, at codon 68 of the GLB1 protein (p.Arg68Trp). This variant is present in population databases (rs72555370, gnomAD 0.01%). This missense change has been observed in individual(s) with GM1 gangliosidosis (PMID: 12644936, 25936995). ClinVar contains an entry for this variant (Variation ID: 944). Advanced modeling of protein sequence and biophysical properties (such as structural, functional, and spatial information, amino acid conservation, physicochemical variation, residue mobility, and thermodynamic stability) performed at Invitae indicates that this missense variant is expected to disrupt GLB1 protein function with a positive predictive value of 95%. Experimental studies have shown that this missense change affects GLB1 function (PMID: 12644936). This variant disrupts the p.Arg68 amino acid residue in GLB1. Other variant(s) that disrupt this residue have been observed in individuals with GLB1-related conditions (PMID: 19472408, 29439846), which suggests that this may be a clinically significant amino acid residue. For these reasons, this variant has been classified as Pathogenic.

GeneDx
Classification: Pathogenic. Last evaluated: 2023-12-10. Review status: criteria provided, single submitter. Criteria: GeneDx Variant Classification Process June 2021. Collection method: clinical testing. Allele origin: germline. Affected: yes.
Comment: Published functional studies found this variant is associated with significantly reduced enzyme activity (PMID: 12644936); In silico analysis supports that this missense variant has a deleterious effect on protein structure/function; This variant is associated with the following publications: (PMID: 33737400, 31367523, 21497194, 12644936, 29352662, 25936995, 31761138)

Molecular Diagnostics Laboratory, M Health Fairview: University of Minnesota
Classification: Pathogenic for Infantile GM1 gangliosidosis. Last evaluated: 2017-08-29. Review status: criteria provided, single submitter. Criteria: ACMG Guidelines, 2015. Collection method: clinical testing. Allele origin: germline. Affected: yes. Observed: 1 variant allele.

Kasturba Medical College, Manipal, Kasturba Medical College, Manipal, Manipal Academy of Higher Education, Manipal, India
Classification: Pathogenic for GM1 gangliosidosis type 3. Review status: criteria provided, single submitter. Criteria: ACMG Guidelines, 2015. Collection method: research. Allele origin: maternal. Inheritance: Autosomal recessive inheritance. Affected: yes. Observed: 1 heterozygote.
Comment: The missense variant, c.202C>T in exon 2 of GLB1 was observed in heterozygous state in the proband and mother (Caciotti et al.,2003; VCV000000944.10). This variant is present in 40 individuals in heterozygous state and absent in homozygous state in gnomAD (v4.1.0). This variant is present in four individuals in heterozygous state and absent in homozygous state in our in-house database of 3673 exomes. The clinical findings observed in the proband are in concordance with. Symptoms of GM1-gangliosidosis, type III can begin in late childhood with unsteady gait, speech disturbance and spine abnormalities.

OMIM
Classification: Pathogenic for GM1-GANGLIOSIDOSIS, TYPE II. Last evaluated: 2003-07-01. Review status: no assertion criteria provided. Collection method: literature only. Allele origin: germline. Not counted in ClinVar's aggregate classification.

Literature cited by the submitters: PubMed 12644936 (cited by 5 submitters); PubMed 33737400 (cited by Natera, Inc.); PubMed 31761138 (cited by Natera, Inc.); PubMed 25936995 (cited by Labcorp Genetics (formerly Invitae), Labcorp); PubMed 19472408 (cited by Labcorp Genetics (formerly Invitae), Labcorp); PubMed 29439846 (cited by Labcorp Genetics (formerly Invitae), Labcorp).

NM_000404.4(GLB1):c.202C>T (p.Arg68Trp)

Gene: GLB1 (galactosidase beta 1; minus strand). Cytogenetic location: 3p22.3.
Variant type: single nucleotide variant.
Coding change: c.202C>T on transcript NM_000404.4 (MANE Select); coding-DNA position 202, C replaced by T.
Protein change: p.Arg68Trp; replaces arginine 68 with tryptophan.
Molecular consequence: missense variant.
Genome position (GRCh38, 1-based): chr3:33,072,587, G>A on the plus strand (C>T on the coding strand, the complement: GLB1 is on the minus strand). VCF-style: chr3-33072587-G-A. GRCh37 (hg19) VCF-style: chr3-33114079-G-A.
Other names: c.112C>T, p.Arg38Trp (NM_001079811.3); c.202C>T, p.Arg68Trp (NM_001135602.3, NM_001393580.1); c.346C>T, p.Arg116Trp (NM_001317040.2); c.202C>T (NM_000404.3); short protein forms R68W, R116W, R38W.
Identifiers: ClinVar variation 944 (VCV000000944.13), dbSNP rs72555370, ClinGen allele CA114664.